The following is an entry in ClinVar:

ClinVar aggregate classification (germline): Likely benign. Review status: criteria provided, multiple submitters, no conflicts (2 of 4 stars). 5 submissions from 5 submitters: Likely benign (5). Last evaluated 2025-12-23.

Conditions:
Cardiovascular phenotype. Identifiers: MedGen CN230736.
Autosomal recessive limb-girdle muscular dystrophy type 2J (LGMDR10). Also called: Limb-girdle muscular dystrophy, type 2J; MUSCULAR DYSTROPHY, LIMB-GIRDLE, AUTOSOMAL RECESSIVE 10. Identifiers: Orphanet 140922, MedGen C1837342, MONDO:0012127, OMIM 608807.
Dilated cardiomyopathy 1G (CMD1G). Identifiers: Orphanet 154, MedGen C1858763, MONDO:0011400, OMIM 604145.

Allele frequency attached by ClinVar (database versions not stated): TOPMed 0.00002; gnomAD 0.00003; gnomAD exomes 0.00003; ExAC 0.00004.
gnomAD v4.1: 35 of 1,613,850 alleles (0.0022%); highest among the groups gnomAD compares: Non-Finnish European, 0.0028%; no homozygotes.

Submissions (5):

Labcorp Genetics (formerly Invitae), Labcorp
Classification: Likely benign for Dilated cardiomyopathy 1G; Autosomal recessive limb-girdle muscular dystrophy type 2J. Last evaluated: 2025-12-23. Review status: criteria provided, single submitter. Criteria: Invitae Variant Classification Sherloc (09022015). Collection method: clinical testing. Allele origin: germline.

Mayo Clinic Laboratories, Mayo Clinic
Classification: Likely benign. Last evaluated: 2025-09-26. Review status: criteria provided, single submitter. Criteria: ACMG Guidelines, 2015. Collection method: clinical testing. Allele origin: germline. Observed: 1 variant allele.
Comment: BP4, BP7

Molecular Diagnostic Laboratory for Inherited Cardiovascular Disease, Montreal Heart Institute
Classification: Likely benign. Last evaluated: 2025-04-09. Review status: criteria provided, single submitter. Criteria: ACMG Guidelines, 2015. Collection method: clinical testing. Allele origin: germline. Affected: no.

Ambry Genetics
Classification: Likely benign for Cardiovascular phenotype. Last evaluated: 2022-09-05. Review status: criteria provided, single submitter. Criteria: Ambry Variant Classification Scheme 2023. Collection method: clinical testing. Allele origin: germline.

CeGaT Center for Human Genetics Tuebingen
Classification: Likely benign. Last evaluated: 2022-05-01. Review status: criteria provided, single submitter. Criteria: CeGaT Center For Human Genetics Tuebingen Variant Classification Criteria Version 2. Collection method: clinical testing. Allele origin: germline. Affected: yes. Observed: 1 variant allele.
Comment: TTN: BP4, BP7

NM_001267550.2(TTN):c.105084G>A (p.Thr35028=)

Genes: TTN (titin; minus strand), TTN-AS1 (TTN antisense RNA 1; plus strand). Cytogenetic location: 2q31.2.
Variant type: single nucleotide variant.
Coding change: c.105084G>A on transcript NM_001267550.2 (MANE Select); coding-DNA position 105084, G replaced by A.
Protein change: p.Thr35028=; no amino-acid change (threonine 35028 retained).
Molecular consequence: synonymous variant.
Genome position (GRCh38, 1-based): chr2:178,531,531, C>T on the plus strand (G>A on the coding strand, the complement: TTN is on the minus strand). VCF-style: chr2-178531531-C-T. GRCh37 (hg19) VCF-style: chr2-179396258-C-T.
Other names: p.Thr33387=; c.100161G>A, p.Thr33387= (NM_001256850.1); c.77889G>A, p.Thr25963= (NM_003319.4); c.97380G>A, p.Thr32460= (NM_133378.4); c.78264G>A, p.Thr26088= (NM_133432.3); c.78465G>A, p.Thr26155= (NM_133437.4).
Identifiers: ClinVar variation 696045 (VCV000696045.39), dbSNP rs774968722, ClinGen allele CA1985313.